The following is an entry in ClinVar:

NM_004977.3(KCNC3):c.1024G>A (p.Val342Met)

Gene: KCNC3 (potassium voltage-gated channel subfamily C member 3; minus strand). Cytogenetic location: 19q13.33.
Variant type: single nucleotide variant.
Coding change: c.1024G>A on transcript NM_004977.3 (MANE Select); coding-DNA position 1024, G replaced by A.
Protein change: p.Val342Met; replaces valine 342 with methionine.
Molecular consequence: missense variant.
Genome position (GRCh38, 1-based): chr19:50,323,929, C>T on the plus strand (G>A on the coding strand, the complement: KCNC3 is on the minus strand). VCF-style: chr19-50323929-C-T. GRCh37 (hg19) VCF-style: chr19-50827186-C-T.
Other names: c.796G>A, p.Val266Met (NM_001372305.1); short protein forms V266M, V342M.
Identifiers: ClinVar variation 4886145 (VCV004886145.2).

ClinVar aggregate classification (germline): Uncertain significance (1 of 4 stars; one submission).

gnomAD v4.1: 3 of 1,614,218 alleles (0.00019%); highest among the groups gnomAD compares: Non-Finnish European, 0.00025%; no homozygotes.

Submission:

Dasa
Classification: Uncertain significance. Last evaluated: 2026-02-28. Review status: criteria provided, single submitter. Criteria: DASA Assertion Criteria. Collection method: clinical testing. Allele origin: germline.
Comment: NM_004977.3(KCNC3):c.1024G>A (p.Val342Met) is a missense variant that results in the substitution of valine with methionine. The affected residue or protein region has prior evidence supporting clinical relevance. This variant is rare in population databases. The currently available literature and clinical evidence are not sufficient to establish a definitive association between this variant and the reported condition. Therefore, this variant is classified as a variant of uncertain significance.